The following is an entry in ClinVar:

ClinVar aggregate classification (germline): Pathogenic (1 of 4 stars; one submission).

Conditions:
Medium-chain acyl-coenzyme A dehydrogenase deficiency (ACADMD). Also called: Medium chain acyl-CoA dehydrogenase deficiency; MCADH DEFICIENCY; MCADD; MCAD Deficiency; ACADM DEFICIENCY; CARNITINE DEFICIENCY SECONDARY TO MEDIUM-CHAIN ACYL-CoA DEHYDROGENASE DEFICIENCY. Identifiers: Orphanet 42, MedGen C0220710, MONDO:0008721, OMIM 201450.

Submission:

Labcorp Genetics (formerly Invitae), Labcorp
Classification: Pathogenic for Medium-chain acyl-coenzyme A dehydrogenase deficiency. Last evaluated: 2021-03-22. Review status: criteria provided, single submitter. Criteria: Invitae Variant Classification Sherloc (09022015). Collection method: clinical testing. Allele origin: germline.
Comment: This variant has not been reported in the literature in individuals with ACADM-related conditions. For these reasons, this variant has been classified as Pathogenic. This variant is not present in population databases (ExAC no frequency). This sequence change creates a premature translational stop signal (p.Ala218Profs*21) in the ACADM gene. It is expected to result in an absent or disrupted protein product. Loss-of-function variants in ACADM are known to be pathogenic (PMID: 16121256, 20434380).

Literature cited by the submitters: PubMed 16121256; PubMed 20434380.

NM_000016.6(ACADM):c.652del (p.Ala218fs)

Gene: ACADM (acyl-CoA dehydrogenase medium chain; plus strand). Cytogenetic location: 1p31.1.
Variant type: Deletion.
Coding change: c.652del on transcript NM_000016.6 (MANE Select); coding-DNA position 652, one base deleted (G; older notation c.652delG).
Protein change: p.Ala218fs; shifts the reading frame from alanine 218.
Molecular consequence: frameshift variant.
Genome position (GRCh38, 1-based): chr1:75,745,858, G deleted. VCF-style (leftmost placement, unchanged base first): chr1-75745857-AG-A. GRCh37 (hg19) VCF-style: chr1-76211542-AG-A.
Other names: c.664del, p.Ala222fs (NM_001127328.3); c.544del, p.Ala182fs (NM_001286042.2); c.751del, p.Ala251fs (NM_001286043.2); c.85del, p.Ala29fs (NM_001286044.2); short protein forms A218fs, A182fs, A29fs, A222fs, A251fs.
Identifiers: ClinVar variation 1371575 (VCV001371575.6), dbSNP rs2100408169, ClinGen allele CA2573132602.